The following is an entry in ClinVar:

NM_000256.3(MYBPC3):c.3331-2A>C

Gene: MYBPC3 (myosin binding protein C3; minus strand). Cytogenetic location: 11p11.2.
Variant type: single nucleotide variant.
Coding change: c.3331-2A>C on transcript NM_000256.3 (MANE Select); the canonical splice acceptor site of the intron before coding-DNA position 3331, A replaced by C.
Molecular consequence: splice acceptor variant.
Genome position (GRCh38, 1-based): chr11:47,332,975, T>G on the plus strand (A>C on the coding strand, the complement: MYBPC3 is on the minus strand). VCF-style: chr11-47332975-T-G. GRCh37 (hg19) VCF-style: chr11-47354526-T-G.
Identifiers: ClinVar variation 222710 (VCV000222710.14), dbSNP rs869025469, ClinGen allele CA352005.
Genomic context (GRCh38, chr11:47,332,975, plus strand): 5'-ATGAGCTCTGGCACCACGCAGTGGGTGCGGCGGTAATGCTCCAAGACGGTGAACCACTCC[T>G]GGGGGCAGGGAGGGAGGGGAGGCATCTCTGGGCCAGGCCCTTCCTGATGCCGAGAGCCTC-3'

ClinVar aggregate classification (germline): Pathogenic/Likely pathogenic. Review status: criteria provided, multiple submitters, no conflicts (2 of 4 stars). 5 submissions from 5 submitters: Pathogenic (1); Likely pathogenic (4). Last evaluated 2024-07-23.

Conditions:
Cardiovascular phenotype. Identifiers: MedGen CN230736.
Cardiomyopathy (CMYO). Also called: Cardiomyopathies. Identifiers: Orphanet 167848, MedGen C0878544, MONDO:0004994, HP:0001638. Inheritance: Various modes of inheritance.
Hypertrophic cardiomyopathy. Also called: HYPERTROPHIC MYOCARDIOPATHY. Identifiers: Orphanet 217569, MedGen C0007194, MeSH D002312, MONDO:0005045, HP:0001639.

Allele frequency attached by ClinVar (database versions not stated): gnomAD exomes 0.00001; TOPMed 0.00001.

Submissions (5):

Ambry Genetics
Classification: Likely pathogenic for Cardiovascular phenotype. Last evaluated: 2024-07-23. Review status: criteria provided, single submitter. Criteria: Ambry Variant Classification Scheme 2023. Collection method: clinical testing. Allele origin: germline.
Comment: The c.3331-2A>C intronic variant results from an A to C substitution two nucleotides upstream from coding exon 31 in the MYBPC3 gene. Alterations that disrupt the canonical splice site are expected to result in aberrant splicing. In silico splice site analysis predicts that this alteration will weaken the native splice acceptor site and may result in the creation or strengthening of a novel splice acceptor site. This variant has been detected in individuals with features consistent with hypertrophic cardiomyopathy (external communication; Ambry internal data). Additional alterations impacting the same acceptor site (c.3331-2A>G, c.331-1G>A, c.331-1G>C) have been detected in HCM cases (Cecconi M et al. Int J Mol Med, 2016 Oct;38:1111-24; Ko C et al. Genet Med, 2018 01;20:69-75; Ho CY et al. Circulation, 2018 10;138:1387-1398). This nucleotide position is highly conserved in available vertebrate species. Based on the majority of available evidence to date, this variant is likely to be pathogenic.

Labcorp Genetics (formerly Invitae), Labcorp
Classification: Likely pathogenic for Hypertrophic cardiomyopathy. Last evaluated: 2023-11-21. Review status: criteria provided, single submitter. Criteria: Invitae Variant Classification Sherloc (09022015). Collection method: clinical testing. Allele origin: germline.
Comment: This sequence change affects an acceptor splice site in intron 30 of the MYBPC3 gene. It is expected to disrupt RNA splicing. Variants that disrupt the donor or acceptor splice site typically lead to a loss of protein function (PMID: 16199547), and loss-of-function variants in MYBPC3 are known to be pathogenic (PMID: 19574547). This variant is present in population databases (no rsID available, gnomAD 0.01%). Disruption of this splice site has been observed in individual(s) with hypertrophic cardiomyopathy (PMID: 28640247). ClinVar contains an entry for this variant (Variation ID: 222710). Algorithms developed to predict the effect of sequence changes on RNA splicing suggest that this variant may disrupt the consensus splice site. In summary, the currently available evidence indicates that the variant is pathogenic, but additional data are needed to prove that conclusively. Therefore, this variant has been classified as Likely Pathogenic.

All of Us Research Program, National Institutes of Health
Classification: Likely pathogenic for Hypertrophic cardiomyopathy. Last evaluated: 2023-08-15. Review status: criteria provided, single submitter. Criteria: ACMG Guidelines, 2015. Collection method: clinical testing. Allele origin: germline. Inheritance: Autosomal dominant inheritance. Observed: 1 variant allele, 1 heterozygote.
Comment: This variant causes an A to C nucleotide substitution at the -2 position of intron 30 of the MYBPC3 gene. Splice site prediction tools predict that this variant may have a significant impact on RNA splicing. Although this prediction has not been confirmed in published RNA studies, this variant is expected to result in an absent or disrupted protein product. This variant has not been reported in individuals affected with MYBPC3-related disorders in the literature. This variant has been identified in 2/237500 chromosomes in the general population by the Genome Aggregation Database (gnomAD). Different variants affecting the same splice donor site, c.3331-2A>G, c.3331-1G>A and c.3331-1G>C, are known to be disease-causing (ClinVar variation ID: 1878689, 177742 and 519194). Loss of MYBPC3 function is a known mechanism of disease. Based on the available evidence, this variant is classified as Likely Pathogenic.

This study involves interpretation of variants in research participants for the purpose of population health screening. Participant phenotype was not available at the time of variant classification. Additional details can be found in publication PMID: 35346344, PMCID: PMC8962531

Color Diagnostics, LLC DBA Color Health
Classification: Likely pathogenic for Cardiomyopathy. Last evaluated: 2023-06-21. Review status: criteria provided, single submitter. Criteria: ACMG Guidelines, 2015. Collection method: clinical testing. Allele origin: germline.
Comment: This variant causes an A to C nucleotide substitution at the -2 position of intron 30 of the MYBPC3 gene. Splice site prediction tools predict that this variant may have a significant impact on RNA splicing. Although this prediction has not been confirmed in published RNA studies, this variant is expected to result in an absent or disrupted protein product. This variant has not been reported in individuals affected with MYBPC3-related disorders in the literature. This variant has been identified in 2/237500 chromosomes in the general population by the Genome Aggregation Database (gnomAD). Different variants affecting the same splice donor site, c.3331-2A>G, c.3331-1G>A and c.3331-1G>C, are known to be disease-causing (ClinVar variation ID: 1878689, 177742 and 519194). Loss of MYBPC3 function is a known mechanism of disease. Based on the available evidence, this variant is classified as Likely Pathogenic.

GeneDx
Classification: Pathogenic. Last evaluated: 2016-06-16. Review status: criteria provided, single submitter. Criteria: GeneDx Variant Classification (06012015). Collection method: clinical testing. Allele origin: germline. Affected: yes.
Comment: Although the c.3331-2 A>C variant has not been reported in the literature as a pathogenic variant or as a benignvariant to our knowledge, it destroys the canonical splice acceptor site in intron 30 and is predicted to cause abnormalgene splicing. This variant is predicted to lead to either an abnormal message that is subject to nonsense-mediatedmRNA decay, or to an abnormal protein product if the message is used for protein translation. Other splice sitevariants in the MYBPC3 gene have been reported in HGMD in association with HCM (Stenson et al., 2014).Furthermore, the c.3331-2 A>C variant was not observed in approximately 6,100 individuals of European and AfricanAmerican ancestry in the NHLBI Exome Sequencing Project, indicating it is not a common benign variant in thesepopulations.In summary, c.3331-2 A>C in the MYBPC3 gene is interpreted as a pathogenic variant.

Literature cited by the submitters: PubMed 27600940 (cited by Ambry Genetics); PubMed 28640247 (cited by Ambry Genetics and Labcorp Genetics (formerly Invitae), Labcorp); PubMed 30297972 (cited by Ambry Genetics); PubMed 33087929 (cited by Ambry Genetics); PubMed 16199547 (cited by Labcorp Genetics (formerly Invitae), Labcorp); PubMed 19574547 (cited by Labcorp Genetics (formerly Invitae), Labcorp).